The following is an entry in ClinVar:

NM_007186.6(CEP250):c.6406G>T (p.Glu2136Ter)

Gene: CEP250 (centrosomal protein 250; plus strand). Cytogenetic location: 20q11.22.
Variant type: single nucleotide variant.
Coding change: c.6406G>T on transcript NM_007186.6 (MANE Select); coding-DNA position 6406, G replaced by T.
Protein change: p.Glu2136Ter; replaces glutamic acid 2136 with a stop codon.
Molecular consequence: nonsense.
Genome position (GRCh38, 1-based): chr20:35,504,775, G>T. VCF-style: chr20-35504775-G-T. GRCh37 (hg19) VCF-style: chr20-34092603-G-T.
Other names: c.4510G>T, p.Glu1504Ter (NM_001318219.1); short protein forms E1504*, E2136*.
Identifiers: ClinVar variation 2776970 (VCV002776970.3), dbSNP rs2064136104, ClinGen allele CA408757142.
Genomic context (GRCh38, chr20:35,504,775, plus strand): 5'-ACCCAGCAAAGGAACAACCTGGAAGCCTTACCCCACAGCCACAAAACCTCCCCAATGGAG[G>T]AACAATCTCTAAAACTTGATTCTTTAGAGCCCAGGCTGCAGCGGGAGCTGGAGCGGCTAC-3'

ClinVar aggregate classification (germline): Pathogenic (1 of 4 stars; one submission).

gnomAD v4.1: 8 of 1,614,198 alleles (0.0005%); highest among the groups gnomAD compares: Non-Finnish European, 0.00068%; no homozygotes.

Submission:

Labcorp Genetics (formerly Invitae), Labcorp
Classification: Pathogenic. Last evaluated: 2023-05-01. Review status: criteria provided, single submitter. Criteria: Invitae Variant Classification Sherloc (09022015). Collection method: clinical testing. Allele origin: germline.
Comment: This variant has not been reported in the literature in individuals affected with CEP250-related conditions. This variant is not present in population databases (gnomAD no frequency). This sequence change creates a premature translational stop signal (p.Glu2136*) in the CEP250 gene. It is expected to result in an absent or disrupted protein product. Loss-of-function variants in CEP250 are known to be pathogenic (PMID: 24780881, 29718797). For these reasons, this variant has been classified as Pathogenic.

Literature cited by the submitters: PubMed 24780881; PubMed 29718797.